The following is an entry in ClinVar:

ClinVar aggregate classification (germline): Uncertain significance. Review status: criteria provided, multiple submitters, no conflicts (2 of 4 stars). 3 submissions from 3 submitters: Uncertain significance (2). 1 of the submissions does not count toward it. Last evaluated 2025-11-06.

Conditions:
BBS10-related disorder. Also called: BBS10-related condition.
Bardet-Biedl syndrome (BBS). Identifiers: Orphanet 110, MedGen C0752166, MONDO:0015229.
Bardet-Biedl syndrome 10 (BBS10). Identifiers: Orphanet 110, MedGen C1859568, MONDO:0014438, OMIM 615987.

Allele frequency attached by ClinVar (database versions not stated): gnomAD exomes below 0.00001.
gnomAD v4.1: 2 of 1,614,162 alleles (0.00012%); highest among the groups gnomAD compares: Non-Finnish European, 0.00017%; no homozygotes.

Submissions (3):

PreventionGenetics, part of Exact Sciences
Classification: Uncertain significance for BBS10-related condition. Last evaluated: 2025-11-06. Review status: criteria provided, single submitter. Criteria: ACMG Guidelines, 2015. Collection method: clinical testing. Allele origin: germline.
Comment: The BBS10 c.1185C>G variant is predicted to result in the amino acid substitution p.His395Gln. To our knowledge, this variant has not been reported in the literature or in a large population database, indicating this variant is rare. An alternate nucleotide change affecting the same amino acid (p.His395Arg) has been reported in individuals with Bardet-Biedl syndrome (Chakrabarty et al. 2020. PubMed ID: 31639430). At this time, the clinical significance of the c.1185C>G (p.His395Gln) variant is uncertain due to the absence of conclusive functional and genetic evidence.

Labcorp Genetics (formerly Invitae), Labcorp
Classification: Uncertain significance for Bardet-Biedl syndrome. Last evaluated: 2022-10-21. Review status: criteria provided, single submitter. Criteria: Invitae Variant Classification Sherloc (09022015). Collection method: clinical testing. Allele origin: germline.
Comment: This sequence change replaces histidine, which is basic and polar, with glutamine, which is neutral and polar, at codon 395 of the BBS10 protein (p.His395Gln). This variant is not present in population databases (gnomAD no frequency). This missense change has been observed in individual(s) with Bardet-Biedl syndrome (Invitae). ClinVar contains an entry for this variant (Variation ID: 216765). Advanced modeling of protein sequence and biophysical properties (such as structural, functional, and spatial information, amino acid conservation, physicochemical variation, residue mobility, and thermodynamic stability) performed at Invitae indicates that this missense variant is expected to disrupt BBS10 protein function. This variant disrupts the p.His395 amino acid residue in BBS10. Other variant(s) that disrupt this residue have been determined to be pathogenic (PMID: 31639430). This suggests that this residue is clinically significant, and that variants that disrupt this residue are likely to be disease-causing. In summary, the available evidence is currently insufficient to determine the role of this variant in disease. Therefore, it has been classified as a Variant of Uncertain Significance.

Natera, Inc.
Classification: Uncertain significance for Bardet-Biedl syndrome type 10. Last evaluated: 2021-09-08. Review status: no assertion criteria provided. Collection method: clinical testing. Allele origin: germline. Not counted in ClinVar's aggregate classification.

Literature cited by the submitters: PubMed 31639430 (cited by Labcorp Genetics (formerly Invitae), Labcorp).

NM_024685.4(BBS10):c.1185C>G (p.His395Gln)

Gene: BBS10 (Bardet-Biedl syndrome 10; minus strand). Cytogenetic location: 12q21.2.
Variant type: single nucleotide variant.
Coding change: c.1185C>G on transcript NM_024685.4 (MANE Select); coding-DNA position 1185, C replaced by G.
Protein change: p.His395Gln; replaces histidine 395 with glutamine.
Molecular consequence: missense variant.
Genome position (GRCh38, 1-based): chr12:76,346,800, G>C on the plus strand (C>G on the coding strand, the complement: BBS10 is on the minus strand). VCF-style: chr12-76346800-G-C. GRCh37 (hg19) VCF-style: chr12-76740580-G-C.
Other names: c.1185C>G, p.His395Gln (LRG_1255t1); short protein forms H395Q.
Identifiers: ClinVar variation 216765 (VCV000216765.9), dbSNP rs863224793, ClinGen allele CA336971.